The following is an entry in ClinVar:

ClinVar aggregate classification (germline): Uncertain significance. Review status: criteria provided, multiple submitters, no conflicts (2 of 4 stars). 2 submissions from 2 submitters: Uncertain significance (2). Last evaluated 2026-08-13.

Conditions:
Dyskeratosis congenita, autosomal dominant 2. Identifiers: MedGen C3151443, MONDO:0013521, OMIM 613989.
Dyskeratosis congenita. Identifiers: Orphanet 1775, MedGen C0265965, MONDO:0015780.

Submissions (2):

Ambry Genetics
Classification: Uncertain significance for Dyskeratosis congenita. Last evaluated: 2026-08-13. Review status: criteria provided, single submitter. Criteria: Ambry Variant Classification Scheme 2023. Collection method: clinical testing. Allele origin: germline.

3billion
Classification: Uncertain significance for Dyskeratosis congenita, autosomal dominant 2. Last evaluated: 2025-10-13. Review status: criteria provided, single submitter. Criteria: ACMG Guidelines, 2015. Collection method: clinical testing. Allele origin: germline. Affected: yes.
Comment: The variant is not observed in the gnomAD v4.1.0 dataset. Predicted Consequence/Location: Missense variant In silico tool predictions suggest damaging effect of the variant on gene or gene product [3Cnet: 0.90 (> 0.75, sensitivity 0.96 and precision 0.92)]. Different missense changes at the same codon have been reported as of uncertain significance (ClinVar ID: VCV003238604). Therefore, this variant is classified as VUS according to the recommendation of ACMG/AMP guideline.

NM_198253.3(TERT):c.325G>C (p.Gly109Arg)

Gene: TERT (telomerase reverse transcriptase; minus strand). Cytogenetic location: 5p15.33.
Variant type: single nucleotide variant.
Coding change: c.325G>C on transcript NM_198253.3 (MANE Select); coding-DNA position 325, G replaced by C.
Protein change: p.Gly109Arg; replaces glycine 109 with arginine.
Molecular consequence: missense variant. On other transcripts: non-coding transcript variant (2).
Genome position (GRCh38, 1-based): chr5:1,294,561, C>G on the plus strand (G>C on the coding strand, the complement: TERT is on the minus strand). VCF-style: chr5-1294561-C-G. GRCh37 (hg19) VCF-style: chr5-1294676-C-G.
Other names: c.325G>C, p.Gly109Arg (NM_001193376.3); short protein forms G109R.
Identifiers: ClinVar variation 4854703 (VCV004854703.2).